The following is an entry in ClinVar:

ClinVar aggregate classification (germline): Uncertain significance. Review status: criteria provided, multiple submitters, no conflicts (2 of 4 stars). 3 submissions from 3 submitters: Uncertain significance (3). Last evaluated 2025-10-17.

Conditions:
Epidermolysis bullosa simplex 5B, with muscular dystrophy (EBS5B). Also called: Epidermolysis bullosa simplex with muscular dystrophy; EPIDERMOLYSIS BULLOSA SIMPLEX AND LIMB-GIRDLE MUSCULAR DYSTROPHY. Identifiers: Orphanet 257, MedGen C2931072, MONDO:0009181, OMIM 226670.
Epidermolysis bullosa simplex, Ogna type (EBS5A). Also called: Pidermolysis bullosa simplex 5A, Ogna type; EPIDERMOLYSIS BULLOSA SIMPLEX 5A, OGNA TYPE. Identifiers: Orphanet 79401, MedGen C0432317, MONDO:0007555, OMIM 131950.
Epidermolysis bullosa simplex 5C, with pyloric atresia (EBS5C). Also called: PLEC-Related Epidermolysis Bullosa with Pyloric Atresia; Epidermolysis bullosa simplex with pyloric atresia; PLEC1-Related Epidermolysis Bullosa with Pyloric Atresia. Identifiers: Orphanet 158684, MedGen C2677349, MONDO:0012807, OMIM 612138.
Autosomal recessive limb-girdle muscular dystrophy type 2Q (LGMDR17). Also called: MUSCULAR DYSTROPHY, LIMB-GIRDLE, AUTOSOMAL RECESSIVE 17. Identifiers: Orphanet 254361, MedGen C3150989, MONDO:0013390, OMIM 613723.
Epidermolysis bullosa simplex with nail dystrophy (EBS5D). Identifiers: MedGen C4225309, MONDO:0014661, OMIM 616487.

Allele frequency attached by ClinVar (database versions not stated): ExAC 0.00001; gnomAD 0.00001.

Submissions (3):

Mayo Clinic Laboratories, Mayo Clinic
Classification: Uncertain significance. Last evaluated: 2025-10-17. Review status: criteria provided, single submitter. Criteria: ACMG Guidelines, 2015. Collection method: clinical testing. Allele origin: germline. Observed: 2 variant alleles.
Comment: BP4_moderate

Labcorp Genetics (formerly Invitae), Labcorp
Classification: Uncertain significance for Autosomal recessive limb-girdle muscular dystrophy type 2Q; Epidermolysis bullosa simplex, Ogna type; Epidermolysis bullosa simplex with nail dystrophy; Epidermolysis bullosa simplex 5C, with pyloric atresia; Epidermolysis bullosa simplex 5B, with muscular dystrophy. Last evaluated: 2025-02-13. Review status: criteria provided, single submitter. Criteria: Invitae Variant Classification Sherloc (09022015). Collection method: clinical testing. Allele origin: germline.
Comment: This sequence change replaces leucine, which is neutral and non-polar, with valine, which is neutral and non-polar, at codon 1594 of the PLEC protein (p.Leu1594Val). This variant is present in population databases (rs782138886, gnomAD 0.003%). This variant has not been reported in the literature in individuals affected with PLEC-related conditions. ClinVar contains an entry for this variant (Variation ID: 2048674). Experimental studies and prediction algorithms are not available or were not evaluated, and the functional significance of this variant is currently unknown. In summary, the available evidence is currently insufficient to determine the role of this variant in disease. Therefore, it has been classified as a Variant of Uncertain Significance.

Revvity Omics, Revvity
Classification: Uncertain significance. Last evaluated: 2019-12-03. Review status: criteria provided, single submitter. Criteria: ACMG Guidelines, 2015. Collection method: clinical testing. Allele origin: germline.

NM_201384.3(PLEC):c.4699C>G (p.Leu1567Val)

Gene: PLEC (plectin; minus strand). Cytogenetic location: 8q24.3.
Variant type: single nucleotide variant.
Coding change: c.4699C>G on transcript NM_201384.3 (MANE Select); coding-DNA position 4699, C replaced by G.
Protein change: p.Leu1567Val; replaces leucine 1567 with valine.
Molecular consequence: missense variant.
Genome position (GRCh38, 1-based): chr8:143,925,230, G>C on the plus strand (C>G on the coding strand, the complement: PLEC is on the minus strand). VCF-style: chr8-143925230-G-C. GRCh37 (hg19) VCF-style: chr8-144999398-G-C.
Other names: p.Leu1594Val; c.4780C>G, p.Leu1594Val (NM_000445.5); c.4657C>G, p.Leu1553Val (NM_201378.4); c.4633C>G, p.Leu1545Val (NM_201379.3); c.5110C>G, p.Leu1704Val (NM_201380.4); c.4603C>G, p.Leu1535Val (NM_201381.3); c.4699C>G, p.Leu1567Val (NM_201382.4); c.4711C>G, p.Leu1571Val (NM_201383.3); and 1 more; short protein forms L1535V, L1567V, L1545V, L1594V, L1704V, L1553V, L1571V.
Identifiers: ClinVar variation 2048674 (VCV002048674.8), dbSNP rs782138886, ClinGen allele CA4926567.